The following is an entry in ClinVar:

ClinVar aggregate classification (germline): Likely benign (1 of 4 stars; one submission).

Allele frequency attached by ClinVar (database versions not stated): gnomAD 0.00001; TOPMed 0.00002; gnomAD exomes 0.00003.
gnomAD v4.1: 42 of 1,504,468 alleles (0.0028%); highest among the groups gnomAD compares: Middle Eastern, 0.018%; no homozygotes.

Submission:

CeGaT Center for Human Genetics Tuebingen
Classification: Likely benign. Last evaluated: 2023-03-01. Review status: criteria provided, single submitter. Criteria: CeGaT Center For Human Genetics Tuebingen Variant Classification Criteria Version 2. Collection method: clinical testing. Allele origin: germline. Affected: yes. Observed: 1 variant allele.
Comment: FBRSL1: BP4, BP7

NM_001367871.1(FBRSL1):c.966G>A (p.Ala322=)

Gene: FBRSL1 (fibrosin like 1; plus strand). Cytogenetic location: 12q24.33.
Variant type: single nucleotide variant.
Coding change: c.966G>A on transcript NM_001367871.1 (MANE Select); coding-DNA position 966, G replaced by A.
Protein change: p.Ala322=; no amino-acid change (alanine 322 retained).
Molecular consequence: synonymous variant.
Genome position (GRCh38, 1-based): chr12:132,570,200, G>A. VCF-style: chr12-132570200-G-A. GRCh37 (hg19) VCF-style: chr12-133146786-G-A.
Other names: c.966G>A, p.Ala322= (NM_001142641.2, NM_001382739.1, NM_001382740.1).
Identifiers: ClinVar variation 2643647 (VCV002643647.24), dbSNP rs983981809, ClinGen allele CA246291527.
Genomic context (GRCh38, chr12:132,570,200, plus strand): 5'-ACCCCCGCAGCCCCGCGGCCTGCTCCCGACACACGTGCCTGCATCCCTGGGCGCCTTCGC[G>A]GGCCACAGCCAGGCGGCAGCCAACGGCCTGCACGGCCTCAGGTGGGGTCCCCGCGGGGGA-3'
Protein context (NP_001354800.1, residues 312-332): THVPASLGAF[Ala322=]GHSQAAANGL